The following is an entry in ClinVar:

ClinVar aggregate classification (germline): Pathogenic. Review status: criteria provided, multiple submitters, no conflicts (2 of 4 stars). 3 submissions from 3 submitters: Pathogenic (2). 1 of the submissions does not count toward it. Last evaluated 2023-07-19.

Conditions:
FREM2-related disorder. Also called: FREM2-related condition.
Fraser syndrome 2 (FRASRS2). Identifiers: MedGen C4540036, MONDO:0054738, OMIM 617666.

Allele frequency attached by ClinVar (database versions not stated): ExAC 0.00001; gnomAD exomes 0.00001; gnomAD 0.00002; TOPMed 0.00002.

Submissions (3):

Labcorp Genetics (formerly Invitae), Labcorp
Classification: Pathogenic. Last evaluated: 2023-07-19. Review status: criteria provided, single submitter. Criteria: Invitae Variant Classification Sherloc (09022015). Collection method: clinical testing. Allele origin: germline.
Comment: This variant has not been reported in the literature in individuals affected with FREM2-related conditions. For these reasons, this variant has been classified as Pathogenic. This variant is present in population databases (rs760715972, gnomAD 0.003%). This sequence change creates a premature translational stop signal (p.Asp1100*) in the FREM2 gene. It is expected to result in an absent or disrupted protein product. Loss-of-function variants in FREM2 are known to be pathogenic (PMID: 18203166, 26552811).

Victorian Clinical Genetics Services, Murdoch Childrens Research Institute
Classification: Pathogenic for Fraser syndrome 2. Last evaluated: 2023-07-16. Review status: criteria provided, single submitter. Criteria: ACMG Guidelines, 2015. Collection method: clinical testing. Allele origin: germline. Inheritance: Autosomal recessive inheritance. Affected: yes.
Comment: Based on the classification scheme VCGS_Germline_v1.3.4, this variant is classified as Pathogenic. Following criteria are met: 0102 - Loss of function is a known mechanism of disease in this gene and is associated with cryptophthalmos, unilateral or bilateral, isolated (MIM#123570) and Fraser syndrome 2 (MIM#617666). (I) 0106 - This gene is associated with autosomal recessive disease. (I) 0201 - Variant is predicted to cause nonsense-mediated decay (NMD) and loss of protein (premature termination codon is located at least 54 nucleotides upstream of the final exon-exon junction). (SP) 0252 - This variant is homozygous. (I) 0304 - Variant is present in gnomAD (v2) <0.01 for a recessive condition (3 heterozygotes, 0 homozygotes). (SP) 0701 - Other NMD predicted variants comparable to the one identified in this case have very strong previous evidence for pathogenicity (DECIPHER). (SP) 0807 - This variant has no previous evidence of pathogenicity. (I) 0905 - No published segregation evidence has been identified for this variant. (I) 1007 - No published functional evidence has been identified for this variant. (I) 1208 - Inheritance information for this variant is not currently available in this individual. (I) Legend: (SP) - Supporting pathogenic, (I) - Information, (SB) - Supporting benign

PreventionGenetics, part of Exact Sciences
Classification: Pathogenic for FREM2-related condition. Last evaluated: 2024-02-14. Review status: no assertion criteria provided. Collection method: clinical testing. Allele origin: germline. Not counted in ClinVar's aggregate classification.
Comment: The FREM2 c.3297dupT variant is predicted to result in premature protein termination (p.Asp1100*). To our knowledge, this variant has not been reported in the literature. This variant is reported in 0.0026% of alleles in individuals of European (non-Finnish) descent in gnomAD. Nonsense variants in FREM2 are expected to be pathogenic. This variant is interpreted as pathogenic.

Literature cited by the submitters: PubMed 18203166 (cited by Labcorp Genetics (formerly Invitae), Labcorp); PubMed 26552811 (cited by Labcorp Genetics (formerly Invitae), Labcorp).

NM_207361.6(FREM2):c.3297dup (p.Asp1100Ter)

Gene: FREM2 (FRAS1 related extracellular matrix 2; plus strand). Cytogenetic location: 13q13.3.
Variant type: Duplication.
Coding change: c.3297dup on transcript NM_207361.6 (MANE Select); coding-DNA position 3297, one base duplicated (T; older notation c.3297dupT).
Protein change: p.Asp1100Ter; replaces aspartic acid 1100 with a stop codon.
Molecular consequence: nonsense.
Genome position (GRCh38, 1-based): chr13:38,690,641, T duplicated. VCF-style (leftmost placement, unchanged base first): chr13-38690640-A-AT. GRCh37 (hg19) VCF-style: chr13-39264777-A-AT.
Other names: c.3297dupT (NM_207361.5); short protein forms D1100*.
Identifiers: ClinVar variation 2865617 (VCV002865617.6), dbSNP rs760715972, ClinGen allele CA6954776.
Genomic context (GRCh38, chr13:38,690,640, plus strand): 5'-AAGGTGATAAAAGTGTTATAACATCAGTGCATATAAGTGCTGAAGATGTCGACTCCCTGA[A>AT]TGATGACATCTTGTGCACTATAGTTATTCAGCCTACTTCAGGTTATGTTGAAAACATTTC-3'